The following is an entry in ClinVar:

NM_001105206.3(LAMA4):c.5383C>T (p.His1795Tyr)

Gene: LAMA4 (laminin subunit alpha 4; minus strand). Cytogenetic location: 6q21.
Variant type: single nucleotide variant.
Coding change: c.5383C>T on transcript NM_001105206.3 (MANE Select); coding-DNA position 5383, C replaced by T.
Protein change: p.His1795Tyr; replaces histidine 1795 with tyrosine.
Molecular consequence: missense variant.
Genome position (GRCh38, 1-based): chr6:112,109,526, G>A on the plus strand (C>T on the coding strand, the complement: LAMA4 is on the minus strand). VCF-style: chr6-112109526-G-A. GRCh37 (hg19) VCF-style: chr6-112430729-G-A.
Other names: c.5362C>T, p.His1788Tyr (NM_001105207.3, NM_002290.5); short protein forms H1788Y, H1795Y.
Identifiers: ClinVar variation 851295 (VCV000851295.15), dbSNP rs782153502, ClinGen allele CA3964724.

ClinVar aggregate classification (germline): Uncertain significance. Review status: criteria provided, multiple submitters, no conflicts (2 of 4 stars). 3 submissions from 3 submitters: Uncertain significance (3). Last evaluated 2025-01-16.

Conditions:
Dilated cardiomyopathy 1JJ (CMD1JJ). Identifiers: Orphanet 154, MedGen C3808935, MONDO:0014095, OMIM 615235.
Cardiovascular phenotype. Identifiers: MedGen CN230736.

Allele frequency attached by ClinVar (database versions not stated): TOPMed below 0.00001; ExAC 0.00001; gnomAD exomes 0.00001 and 0.00003.
gnomAD v4.1: 43 of 1,614,122 alleles (0.0027%); highest among the groups gnomAD compares: Middle Eastern, 0.016%; no homozygotes.

Submissions (3):

Ambry Genetics
Classification: Uncertain significance for Cardiovascular phenotype. Last evaluated: 2025-01-16. Review status: criteria provided, single submitter. Criteria: Ambry Variant Classification Scheme 2023. Collection method: clinical testing. Allele origin: germline.
Comment: The p.H1788Y variant (also known as c.5362C>T), located in coding exon 38 of the LAMA4 gene, results from a C to T substitution at nucleotide position 5362. The histidine at codon 1788 is replaced by tyrosine, an amino acid with similar properties. This alteration, referred to as p.H1795Y, was found in an individual who experienced sudden unexplained death with an additional alteration in a cardiac-related gene (Hellenthal N et al. Europace, 2017 Nov;19:1881-1890). Likewise, this alteration has been reported in a dilated cardiomyopathy (DCM) cohort (Mazzarotto F et al. Circulation, 2020 02;141:387-398). This amino acid position is not well conserved in available vertebrate species. In addition, the in silico prediction for this alteration is inconclusive. Since supporting evidence is limited at this time, the clinical significance of this alteration remains unclear.

Labcorp Genetics (formerly Invitae), Labcorp
Classification: Uncertain significance for Dilated cardiomyopathy 1JJ. Last evaluated: 2024-11-24. Review status: criteria provided, single submitter. Criteria: Invitae Variant Classification Sherloc (09022015). Collection method: clinical testing. Allele origin: germline.
Comment: This sequence change replaces histidine, which is basic and polar, with tyrosine, which is neutral and polar, at codon 1788 of the LAMA4 protein (p.His1788Tyr). This variant is present in population databases (rs782153502, gnomAD 0.003%). This missense change has been observed in individual(s) with LAMA4-related conditions (PMID: 29016939, 31983221). ClinVar contains an entry for this variant (Variation ID: 851295). Invitae Evidence Modeling of protein sequence and biophysical properties (such as structural, functional, and spatial information, amino acid conservation, physicochemical variation, residue mobility, and thermodynamic stability) indicates that this missense variant is not expected to disrupt LAMA4 protein function with a negative predictive value of 80%. In summary, the available evidence is currently insufficient to determine the role of this variant in disease. Therefore, it has been classified as a Variant of Uncertain Significance.

Revvity Omics, Revvity
Classification: Uncertain significance for Dilated cardiomyopathy 1JJ. Last evaluated: 2019-10-09. Review status: criteria provided, single submitter. Criteria: ACMG Guidelines, 2015. Collection method: clinical testing. Allele origin: germline.

Literature cited by the submitters: PubMed 29016939 (cited by Ambry Genetics and Labcorp Genetics (formerly Invitae), Labcorp); PubMed 31983221 (cited by Ambry Genetics and Labcorp Genetics (formerly Invitae), Labcorp).